The following is an entry in ClinVar:

ClinVar aggregate classification (germline): Uncertain significance (1 of 4 stars; one submission).

gnomAD v4.1: 1 of 1,612,748 alleles (0.000062%); no homozygotes.

Submission:

GeneDx
Classification: Uncertain significance. Last evaluated: 2024-02-14. Review status: criteria provided, single submitter. Criteria: GeneDx Variant Classification Process June 2021. Collection method: clinical testing. Allele origin: germline.
Comment: Not observed at significant frequency in large population cohorts (gnomAD); In silico analysis supports that this missense variant does not alter protein structure/function; Has not been previously published as pathogenic or benign to our knowledge

NM_052876.4(NACC1):c.1114G>T (p.Val372Leu)

Gene: NACC1 (nucleus accumbens associated 1; plus strand). Cytogenetic location: 19p13.13.
Variant type: single nucleotide variant.
Coding change: c.1114G>T on transcript NM_052876.4 (MANE Select); coding-DNA position 1114, G replaced by T.
Protein change: p.Val372Leu; replaces valine 372 with leucine.
Molecular consequence: missense variant.
Genome position (GRCh38, 1-based): chr19:13,136,399, G>T. VCF-style: chr19-13136399-G-T. GRCh37 (hg19) VCF-style: chr19-13247213-G-T.
Other names: short protein forms V372L.
Identifiers: ClinVar variation 2580550 (VCV002580550.2), dbSNP rs2513136967, ClinGen allele CA404327771.
Genomic context (GRCh38, chr19:13,136,399, plus strand): 5'-GGGAACCGCTGCCACCCCAAGCTCTACGACGAGGGCGACCCCTCTGAGAAGCTGGAGCTG[G>T]TGACAGGTGGGCCGGTCTCGCCCCAGATCTCTCCCCTCCGCAGCTTTGGAGCCGGCTGGC-3'
Protein context (NP_443108.1, residues 362-382): EGDPSEKLEL[Val372Leu]TGTNVYITRA